The following is an entry in ClinVar:

ClinVar aggregate classification (germline): Uncertain significance. Review status: criteria provided, multiple submitters, no conflicts (2 of 4 stars). 2 submissions from 2 submitters: Uncertain significance (2). Last evaluated 2026-03-09.

Allele frequency attached by ClinVar (database versions not stated): gnomAD exomes 0.00079 and 0.00047; 1000 Genomes Project 30x 0.00016; 1000 Genomes Project 0.00040; ExAC 0.00051; gnomAD 0.00051 and 0.00054; TOPMed 0.00054; ESP Exome Variant Server 0.00058.
gnomAD v4.1: 1,217 of 1,610,372 alleles (0.076%); highest among the groups gnomAD compares: Non-Finnish European, 0.095%; 3 homozygotes.

Submissions (2):

Women's Health and Genetics/Laboratory Corporation of America, LabCorp
Classification: Uncertain significance. Last evaluated: 2026-03-09. Review status: criteria provided, single submitter. Criteria: LabCorp Variant Classification Summary - May 2015. Collection method: clinical testing. Allele origin: germline.
Comment: Variant summary: OBSL1 c.3637G>A (p.Val1213Met) results in a conservative amino acid change in the encoded protein sequence. Algorithms developed to predict the effect of missense changes on protein structure and function all suggest that this variant is likely to be tolerated. The variant allele was found at a frequency of 0.00047 in 235960 control chromosomes. This frequency is not significantly higher than estimated for disease-causing variants in OBSL1, allowing no conclusion about variant significance. To our knowledge, no occurrence of c.3637G>A in individuals affected with OBSL1-related conditions and no experimental evidence demonstrating its impact on protein function have been reported. ClinVar contains an entry for this variant (Variation ID: 1061236). Based on the evidence outlined above, the variant was classified as uncertain significance.

Labcorp Genetics (formerly Invitae), Labcorp
Classification: Uncertain significance. Last evaluated: 2022-10-18. Review status: criteria provided, single submitter. Criteria: Invitae Variant Classification Sherloc (09022015). Collection method: clinical testing. Allele origin: germline.
Comment: This sequence change replaces valine, which is neutral and non-polar, with methionine, which is neutral and non-polar, at codon 1213 of the OBSL1 protein (p.Val1213Met). This variant is present in population databases (rs201555617, gnomAD 0.08%), and has an allele count higher than expected for a pathogenic variant. This variant has not been reported in the literature in individuals affected with OBSL1-related conditions. ClinVar contains an entry for this variant (Variation ID: 1061236). Algorithms developed to predict the effect of missense changes on protein structure and function are either unavailable or do not agree on the potential impact of this missense change (SIFT: "Deleterious"; PolyPhen-2: "Possibly Damaging"; Align-GVGD: "Class C0"). In summary, the available evidence is currently insufficient to determine the role of this variant in disease. Therefore, it has been classified as a Variant of Uncertain Significance.

NM_015311.3(OBSL1):c.3637G>A (p.Val1213Met)

Gene: OBSL1 (obscurin like cytoskeletal adaptor 1; minus strand). Cytogenetic location: 2q35.
Variant type: single nucleotide variant.
Coding change: c.3637G>A on transcript NM_015311.3 (MANE Select); coding-DNA position 3637, G replaced by A.
Protein change: p.Val1213Met; replaces valine 1213 with methionine.
Molecular consequence: missense variant.
Genome position (GRCh38, 1-based): chr2:219,557,976, C>T on the plus strand (G>A on the coding strand, the complement: OBSL1 is on the minus strand). VCF-style: chr2-219557976-C-T. GRCh37 (hg19) VCF-style: chr2-220422698-C-T.
Other names: c.3637G>A, p.Val1213Met (NM_001173431.2); short protein forms V1213M.
Identifiers: ClinVar variation 1061236 (VCV001061236.5), dbSNP rs201555617, ClinGen allele CA2130795.